The following is an entry in ClinVar:

NM_001048174.2(MUTYH):c.427A>G (p.Asn143Asp)

Gene: MUTYH (mutY DNA glycosylase; minus strand). Cytogenetic location: 1p34.1.
Variant type: single nucleotide variant.
Coding change: c.427A>G on transcript NM_001048174.2 (MANE Select); coding-DNA position 427, A replaced by G.
Protein change: p.Asn143Asp; replaces asparagine 143 with aspartic acid.
Molecular consequence: missense variant. On other transcripts: non-coding transcript variant (2).
Genome position (GRCh38, 1-based): chr1:45,332,828, T>C on the plus strand (A>G on the coding strand, the complement: MUTYH is on the minus strand). VCF-style: chr1-45332828-T-C. GRCh37 (hg19) VCF-style: chr1-45798500-T-C.
Other names: c.427A>G, p.Asn143Asp (NM_001048171.2, NM_001048173.2, NM_001293195.2); c.430A>G, p.Asn144Asp (NM_001048172.2); c.511A>G, p.Asn171Asp (NM_001128425.2); c.472A>G, p.Asn158Asp (NM_001293190.2); c.460A>G, p.Asn154Asp (NM_001293191.2); c.151A>G, p.Asn51Asp (NM_001293192.2, NM_001293196.2); c.82A>G, p.Asn28Asp (NM_001350650.2, NM_001350651.2); c.502A>G, p.Asn168Asp (NM_012222.3); short protein forms N171D, N157D, N143D, N158D, N168D, N28D, N51D, N144D.
Identifiers: ClinVar variation 186535 (VCV000186535.23), dbSNP rs773674701, ClinGen allele CA013723.

ClinVar aggregate classification (germline): Uncertain significance. Review status: criteria provided, multiple submitters, no conflicts (2 of 4 stars). 8 submissions from 8 submitters: Uncertain significance (7). 1 of the submissions does not count toward it. Last evaluated 2026-01-23.

Conditions:
Hereditary cancer-predisposing syndrome. Also called: Neoplastic Syndromes, Hereditary; Tumor predisposition; Hereditary Cancer Syndrome; Hereditary neoplastic syndrome. Identifiers: Orphanet 140162, MedGen C0027672, MeSH D009386, MONDO:0015356.
Familial adenomatous polyposis 2. Also called: Adenomas, multiple colorectal; COLORECTAL ADENOMATOUS POLYPOSIS, AUTOSOMAL RECESSIVE; ADENOMAS, MULTIPLE COLORECTAL, AUTOSOMAL RECESSIVE; MYH-associated polyposis; MUTYH Polyposis; FAP type 2. Identifiers: Orphanet 220460, Orphanet 247798, MedGen C3272841, MONDO:0012041, OMIM 608456.

Allele frequency attached by ClinVar (database versions not stated): gnomAD exomes below 0.00001 and 0.00001; ExAC 0.00001; gnomAD 0.00001; TOPMed 0.00002.
gnomAD v4.1: 6 of 1,614,044 alleles (0.00037%); highest among the groups gnomAD compares: Non-Finnish European, 0.00051%; no homozygotes.

Submissions (8):

Labcorp Genetics (formerly Invitae), Labcorp
Classification: Uncertain significance for Familial adenomatous polyposis 2. Last evaluated: 2026-01-23. Review status: criteria provided, single submitter. Criteria: Invitae Variant Classification Sherloc (09022015). Collection method: clinical testing. Allele origin: germline.
Comment: This sequence change replaces asparagine, which is neutral and polar, with aspartic acid, which is acidic and polar, at codon 171 of the MUTYH protein (p.Asn171Asp). This variant is present in population databases (rs773674701, gnomAD 0.007%). This variant has not been reported in the literature in individuals affected with MUTYH-related conditions. ClinVar contains an entry for this variant (Variation ID: 186535). An algorithm developed to predict the effect of missense changes on protein structure and function (PolyPhen-2) suggests that this variant is likely to be disruptive. In summary, the available evidence is currently insufficient to determine the role of this variant in disease. Therefore, it has been classified as a Variant of Uncertain Significance.

ARUP Laboratories, Molecular Genetics and Genomics, ARUP Laboratories
Classification: Uncertain significance. Last evaluated: 2025-01-03. Review status: criteria provided, single submitter. Criteria: ARUP Molecular Germline Variant Investigation Process 2024. Collection method: clinical testing. Allele origin: germline.
Comment: The MUTYH c.511A>G; p.Asn171Asp variant (rs773674701), to our knowledge, is not reported in the medical literature but is reported in ClinVar (Variation ID: 186535). This variant is only observed on two alleles in the Genome Aggregation Database (v2.1.1), indicating it is not a common polymorphism. Computational analyses predict that this variant is deleterious (REVEL: 0.756). However, given the lack of clinical and functional data, the significance of this variant is uncertain at this time.

Ambry Genetics
Classification: Uncertain significance for Hereditary cancer-predisposing syndrome. Last evaluated: 2024-09-05. Review status: criteria provided, single submitter. Criteria: Ambry Variant Classification Scheme 2023. Collection method: clinical testing. Allele origin: germline.
Comment: The p.N171D variant (also known as c.511A>G), located in coding exon 7 of the MUTYH gene, results from an A to G substitution at nucleotide position 511. The asparagine at codon 171 is replaced by aspartic acid, an amino acid with highly similar properties. This amino acid position is highly conserved in available vertebrate species. In addition, this alteration is predicted to be tolerated by in silico analysis. Since supporting evidence is limited at this time, the clinical significance of this alteration remains unclear.

Color Diagnostics, LLC DBA Color Health
Classification: Uncertain significance for Hereditary cancer-predisposing syndrome. Last evaluated: 2024-03-06. Review status: criteria provided, single submitter. Criteria: ACMG Guidelines, 2015. Collection method: clinical testing. Allele origin: germline.
Comment: This missense variant replaces asparagine with aspartic acid at codon 171 of the MUTYH protein. Computational prediction suggests that this variant may have deleterious impact on protein structure and function (internally defined REVEL score threshold >= 0.7, PMID: 27666373). To our knowledge, functional studies have not been reported for this variant. This variant has not been reported in individuals affected with MUTYH-related disorders in the literature. This variant has been identified in 2/251470 chromosomes in the general population by the Genome Aggregation Database (gnomAD). The available evidence is insufficient to determine the role of this variant in disease conclusively. Therefore, this variant is classified as a Variant of Uncertain Significance.

All of Us Research Program, National Institutes of Health
Classification: Uncertain significance for Familial adenomatous polyposis 2. Last evaluated: 2023-10-06. Review status: criteria provided, single submitter. Criteria: ACMG Guidelines, 2015. Collection method: clinical testing. Allele origin: germline. Inheritance: Autosomal recessive inheritance. Observed: 4 variant alleles, 4 heterozygotes.
Comment: This missense variant replaces asparagine with aspartic acid at codon 171 of the MUTYH protein. Computational prediction suggests that this variant may have deleterious impact on protein structure and function (internally defined REVEL score threshold >= 0.7, PMID: 27666373). To our knowledge, functional studies have not been reported for this variant. This variant has not been reported in individuals affected with MUTYH-related disorders in the literature. This variant has been identified in 2/251470 chromosomes in the general population by the Genome Aggregation Database (gnomAD). The available evidence is insufficient to determine the role of this variant in disease conclusively. Therefore, this variant is classified as a Variant of Uncertain Significance.

This study involves interpretation of variants in research participants for the purpose of population health screening. Participant phenotype was not available at the time of variant classification. Additional details can be found in publication PMID: 35346344, PMCID: PMC8962531

Baylor Genetics
Classification: Uncertain significance for Familial adenomatous polyposis 2. Last evaluated: 2023-08-31. Review status: criteria provided, single submitter. Criteria: ACMG Guidelines, 2015. Collection method: clinical testing. Allele origin: unknown.

Women's Health and Genetics/Laboratory Corporation of America, LabCorp
Classification: Uncertain significance. Last evaluated: 2020-12-11. Review status: criteria provided, single submitter. Criteria: LabCorp Variant Classification Summary - May 2015. Collection method: clinical testing. Allele origin: germline.
Comment: Variant summary: MUTYH c.511A>G (p.Asn171Asp) results in a conservative amino acid change located in the HhH-GPD domain (IPR003265) of the encoded protein sequence. Four of five in-silico tools predict a damaging effect of the variant on protein function. The variant allele was found at a frequency of 8e-06 in 251470 control chromosomes (gnomAD). The available data on variant occurrences in the general population are insufficient to allow any conclusion about variant significance. To our knowledge, no occurrence of c.511A>G in individuals affected with MUTYH-Associated Polyposis and no experimental evidence demonstrating its impact on protein function have been reported. Three clinical diagnostic laboratories have submitted clinical-significance assessments for this variant to ClinVar after 2014 without evidence for independent evaluation. All laboratories classified the variant as uncertain significance. Based on the evidence outlined above, the variant was classified as uncertain significance.

Counsyl
Classification: Uncertain significance for Familial adenomatous polyposis 2. Last evaluated: 2018-05-21. Review status: no assertion criteria provided. Collection method: clinical testing. Allele origin: unknown. Not counted in ClinVar's aggregate classification.